The following is an entry in ClinVar:

NM_004369.4(COL6A3):c.4734C>T (p.Ile1578=)

Gene: COL6A3 (collagen type VI alpha 3 chain; minus strand). Cytogenetic location: 2q37.3.
Variant type: single nucleotide variant.
Coding change: c.4734C>T on transcript NM_004369.4 (MANE Select); coding-DNA position 4734, C replaced by T.
Protein change: p.Ile1578=; no amino-acid change (isoleucine 1578 retained).
Molecular consequence: synonymous variant.
Genome position (GRCh38, 1-based): chr2:237,368,729, G>A on the plus strand (C>T on the coding strand, the complement: COL6A3 is on the minus strand). VCF-style: chr2-237368729-G-A. GRCh37 (hg19) VCF-style: chr2-238277372-G-A.
Other names: c.2913C>T, p.Ile971= (NM_057166.5); c.4116C>T, p.Ile1372= (NM_057167.4).
Identifiers: ClinVar variation 1102326 (VCV001102326.11), dbSNP rs774809714, ClinGen allele CA2188820.

ClinVar aggregate classification (germline): Likely benign. Review status: criteria provided, multiple submitters, no conflicts (2 of 4 stars). 2 submissions from 2 submitters: Likely benign (2). Last evaluated 2026-04-01.

Conditions:
Bethlem myopathy 1A. Also called: Bethlem myopathy 1; Bethlem Muscular Dystrophy; MYOPATHY, BENIGN CONGENITAL, WITH CONTRACTURES. Identifiers: Orphanet 610, MedGen CN029274, MONDO:0024530, OMIM 158810.

Allele frequency attached by ClinVar (database versions not stated): gnomAD 0.00001 and 0.00002; ExAC 0.00007; gnomAD exomes 0.00007.
gnomAD v4.1: 77 of 1,614,046 alleles (0.0048%); highest among the groups gnomAD compares: South Asian, 0.021%; no homozygotes.

Submissions (2):

CeGaT Center for Human Genetics Tuebingen
Classification: Likely benign. Last evaluated: 2026-04-01. Review status: criteria provided, single submitter. Criteria: CeGaT Center For Human Genetics Tuebingen Variant Classification Criteria Version 2. Collection method: clinical testing. Allele origin: germline. Affected: yes. Observed: 1 variant allele.
Comment: COL6A3: BP4, BP7

Labcorp Genetics (formerly Invitae), Labcorp
Classification: Likely benign for Bethlem myopathy 1A. Last evaluated: 2025-02-15. Review status: criteria provided, single submitter. Criteria: Invitae Variant Classification Sherloc (09022015). Collection method: clinical testing. Allele origin: germline.